The following is an entry in ClinVar:

ClinVar aggregate classification (germline): Likely pathogenic (1 of 4 stars; one submission).

Conditions:
Fanconi anemia (FA). Also called: Fanconi's anemia. Identifiers: Orphanet 84, MedGen C0015625, MeSH D005199, MONDO:0019391.

Submission:

Labcorp Genetics (formerly Invitae), Labcorp
Classification: Likely pathogenic for Fanconi anemia. Last evaluated: 2023-10-31. Review status: criteria provided, single submitter. Criteria: Invitae Variant Classification Sherloc (09022015). Collection method: clinical testing. Allele origin: unknown.
Comment: This variant results in a copy number gain of the genomic region encompassing exon(s) 16-22 of the FANCA gene. While the exact position of this variant cannot be determined from the data, sub-genic copy number gains are generally in tandem (PMID: 25640679). This variant is predicted to be out-of-frame, and may result in an absent or disrupted protein product. Loss-of-function variants in FANCA are known to be pathogenic (PMID: 19367192). This variant has not been reported in the literature in individuals affected with FANCA-related conditions. In summary, the currently available evidence indicates that the variant is pathogenic, but additional data are needed to prove that conclusively. Therefore, this variant has been classified as Likely Pathogenic.

Literature cited by the submitters: PubMed 25640679; PubMed 19367192.

NC_000016.9:g.(?_89839659)_(89849530_?)dup

Gene: FANCA (FA complementation group A; minus strand). Cytogenetic location: 16q24.3.
Variant type: Duplication.
Identifiers: ClinVar variation 3243289 (VCV003243289.1).